The following is an entry in ClinVar:

NM_031844.3(HNRNPU):c.2169C>T (p.Ala723=)

Gene: HNRNPU (heterogeneous nuclear ribonucleoprotein U; minus strand). Cytogenetic location: 1q44.
Variant type: single nucleotide variant.
Coding change: c.2169C>T on transcript NM_031844.3 (MANE Select); coding-DNA position 2169, C replaced by T.
Protein change: p.Ala723=; no amino-acid change (alanine 723 retained).
Molecular consequence: synonymous variant.
Genome position (GRCh38, 1-based): chr1:244,855,607, G>A on the plus strand (C>T on the coding strand, the complement: HNRNPU is on the minus strand). VCF-style: chr1-244855607-G-A. GRCh37 (hg19) VCF-style: chr1-245018909-G-A.
Other names: p.Ala723=; c.2112C>T, p.Ala704= (NM_004501.3).
Identifiers: ClinVar variation 414105 (VCV000414105.50), dbSNP rs11537737, ClinGen allele CA1486287.

ClinVar aggregate classification (germline): Benign/Likely benign. Review status: criteria provided, multiple submitters, no conflicts (2 of 4 stars). 8 submissions from 8 submitters: Benign (5); Likely benign (3). Last evaluated 2026-09-01.

Conditions:
Inborn genetic diseases. Identifiers: MedGen C0950123, MeSH D030342.
Developmental and epileptic encephalopathy, 54. Also called: Epileptic encephalopathy, early infantile, 54; HNRNPU-Related Neurodevelopmental Disorder. Identifiers: MedGen C4479319, MONDO:0033363, OMIM 617391.

Allele frequency attached by ClinVar (database versions not stated): 1000 Genomes Project 30x 0.00390; 1000 Genomes Project 0.00419; gnomAD exomes 0.00577 and 0.00693; TOPMed 0.00582; ExAC 0.00601; gnomAD 0.00632 and 0.00657; ESP Exome Variant Server 0.00700.
gnomAD v4.1: 11,138 of 1,613,750 alleles (0.69%); highest among the groups gnomAD compares: Non-Finnish European, 0.82%; 48 homozygotes.

Submissions (8):

CeGaT Center for Human Genetics Tuebingen
Classification: Likely benign. Last evaluated: 2026-09-01. Review status: criteria provided, single submitter. Criteria: CeGaT Center For Human Genetics Tuebingen Variant Classification Criteria Version 2. Collection method: clinical testing. Allele origin: germline. Affected: yes. Observed: 60 variant alleles.
Comment: HNRNPU: BP4, BP7, BS2

Labcorp Genetics (formerly Invitae), Labcorp
Classification: Benign for Developmental and epileptic encephalopathy, 54. Last evaluated: 2026-02-03. Review status: criteria provided, single submitter. Criteria: Invitae Variant Classification Sherloc (09022015). Collection method: clinical testing. Allele origin: germline.

Blueprint Genetics
Classification: Benign. Last evaluated: 2024-11-26. Review status: criteria provided, single submitter. Criteria: ACMG Guidelines, 2015. Collection method: clinical testing. Allele origin: germline.

Mayo Clinic Laboratories, Mayo Clinic
Classification: Benign. Last evaluated: 2024-02-20. Review status: criteria provided, single submitter. Criteria: ACMG Guidelines, 2015. Collection method: clinical testing. Allele origin: germline. Observed: 2 variant alleles.
Comment: BS1, BS2, BP4, BP7

GeneDx
Classification: Benign. Last evaluated: 2018-08-28. Review status: criteria provided, single submitter. Criteria: GeneDx Variant Classification Process June 2021. Collection method: clinical testing. Allele origin: germline. Affected: yes.

Athena Diagnostics
Classification: Benign. Last evaluated: 2018-01-26. Review status: criteria provided, single submitter. Criteria: Athena Diagnostics Criteria. Collection method: clinical testing. Allele origin: germline.

Ambry Genetics
Classification: Likely benign for Inborn genetic diseases. Last evaluated: 2016-12-23. Review status: criteria provided, single submitter. Criteria: Ambry Variant Classification Scheme 2023. Collection method: clinical testing. Allele origin: germline.

Breakthrough Genomics
Classification: Likely benign. Review status: criteria provided, single submitter. Criteria: ACMG Guidelines, 2015. Collection method: not provided. Allele origin: germline. Inheritance: Autosomal dominant inheritance. Affected: yes.